The following is an entry in ClinVar:

NC_000003.11:g.(?_158362424)_(158384195_?)del

Gene: GFM1 (G elongation factor mitochondrial 1; plus strand). Cytogenetic location: 3q25.32.
Variant type: Deletion.
Identifiers: ClinVar variation 3247042 (VCV003247042.1).

ClinVar aggregate classification (germline): Pathogenic (1 of 4 stars; one submission).

Submission:

Labcorp Genetics (formerly Invitae), Labcorp
Classification: Pathogenic. Last evaluated: 2023-01-20. Review status: criteria provided, single submitter. Criteria: Invitae Variant Classification Sherloc (09022015). Collection method: clinical testing. Allele origin: unknown.
Comment: For these reasons, this variant has been classified as Pathogenic. This variant has not been reported in the literature in individuals affected with GFM1-related conditions. This variant is a gross deletion of the genomic region encompassing exon(s) 1-13 of the GFM1 gene, which includes the initiator codon. This deletion extends beyond the assayed region for this gene and therefore may encompass additional genes. It is expected to result in an absent or disrupted protein product. Loss-of-function variants in GFM1 are known to be pathogenic (PMID: 16632485, 17160893).

Literature cited by the submitters: PubMed 16632485; PubMed 17160893.